The following is an entry in ClinVar:

NM_001367624.2(ZNF469):c.7102G>A (p.Gly2368Ser)

Gene: ZNF469 (zinc finger protein 469; plus strand). Cytogenetic location: 16q24.2.
Variant type: single nucleotide variant.
Coding change: c.7102G>A on transcript NM_001367624.2 (MANE Select); coding-DNA position 7102, G replaced by A.
Protein change: p.Gly2368Ser; replaces glycine 2368 with serine.
Molecular consequence: missense variant.
Genome position (GRCh38, 1-based): chr16:88,434,572, G>A. VCF-style: chr16-88434572-G-A. GRCh37 (hg19) VCF-style: chr16-88500980-G-A.
Other names: NM_001127464.1:c.7018G>A; p.Gly2368Ser; NM_001127464.2:c.7018G>A; short protein forms G2368S.
Identifiers: ClinVar variation 1190516 (VCV001190516.16), dbSNP rs533944505, ClinGen allele CA8225213.

ClinVar aggregate classification (germline): Conflicting classifications of pathogenicity. Review status: criteria provided, conflicting classifications (1 of 4 stars). 7 submissions from 7 submitters: Uncertain significance (1); Likely benign (6). Last evaluated 2026-02-02.

Conditions:
Cardiovascular phenotype. Identifiers: MedGen CN230736.
Brittle cornea syndrome 1 (BCS1). Also called: DYSGENESIS MESODERMALIS CORNEAE ET SCLERAE; EDS6B; FRAGILITAS OCULI WITH JOINT HYPEREXTENSIBILITY; Corneal fragility keratoglobus, blue sclerae AND joint hypermobility; CORNEAL FRAGILITY, KERATOGLOBUS, BLUE SCLERAE, JOINT HYPEREXTENSIBILITY. Identifiers: Orphanet 90354, MedGen C0268344, MONDO:0024543, OMIM 229200.
ZNF469-related disorder. Also called: ZNF469-related condition.

Allele frequency attached by ClinVar (database versions not stated): gnomAD exomes 0.00008 and 0.00020; ExAC 0.00036; 1000 Genomes Project 0.00060; 1000 Genomes Project 30x 0.00062; gnomAD 0.00078; TOPMed 0.00085.
gnomAD v4.1: 234 of 1,550,316 alleles (0.015%); highest among the groups gnomAD compares: African/African-American, 0.29%; 1 homozygote.

Submissions (7):

Labcorp Genetics (formerly Invitae), Labcorp
Classification: Likely benign. Last evaluated: 2026-02-02. Review status: criteria provided, single submitter. Criteria: Invitae Variant Classification Sherloc (09022015). Collection method: clinical testing. Allele origin: germline.

Women's Health and Genetics/Laboratory Corporation of America, LabCorp
Classification: Likely benign. Last evaluated: 2025-12-03. Review status: criteria provided, single submitter. Criteria: LabCorp Variant Classification Summary - May 2015. Collection method: clinical testing. Allele origin: germline.
Comment: Variant summary: ZNF469 c.7102G>A (p.Gly2368Ser) results in a non-conservative amino acid change in the encoded protein sequence. Algorithms developed to predict the effect of missense changes on protein structure and function are either unavailable or do not agree on the potential impact of this missense change. The variant allele was found at a frequency of 0.0002 in 152428 control chromosomes, predominantly at a frequency of 0.0038 within the African or African-American subpopulation in the gnomAD database. The observed variant frequency within African or African-American control individuals in the gnomAD database exceeds the estimated maximal expected allele frequency for disease-causing variants in ZNF469. To our knowledge, no occurrence of c.7102G>A in individuals affected with ZNF469-related conditions and no experimental evidence demonstrating its impact on protein function have been reported. ClinVar contains an entry for this variant (Variation ID: 1190516). Based on the evidence outlined above, the variant was classified as likely benign.

PreventionGenetics, part of Exact Sciences
Classification: Likely benign for ZNF469-related condition. Last evaluated: 2025-07-02. Review status: criteria provided, single submitter. Criteria: ACMG Guidelines, 2015. Collection method: clinical testing. Allele origin: germline.
Comment: This variant is classified as likely benign based on ACMG/AMP sequence variant interpretation guidelines (Richards et al. 2015 PMID: 25741868, with internal and published modifications).

Mayo Clinic Laboratories, Mayo Clinic
Classification: Likely benign. Last evaluated: 2025-06-12. Review status: criteria provided, single submitter. Criteria: ACMG Guidelines, 2015. Collection method: clinical testing. Allele origin: germline. Observed: 3 variant alleles.
Comment: BS1, BP4

Ambry Genetics
Classification: Likely benign for Cardiovascular phenotype. Last evaluated: 2023-02-28. Review status: criteria provided, single submitter. Criteria: Ambry Variant Classification Scheme 2023. Collection method: clinical testing. Allele origin: germline.

New York Genome Center
Classification: Uncertain significance for Brittle cornea syndrome 1. Last evaluated: 2021-02-12. Review status: criteria provided, single submitter. Criteria: NYGC Assertion Criteria 2020. Collection method: clinical testing. Allele origin: inherited. Observed: 1 compound heterozygote. Study: CSER-NYCKidSeq.
Comment: The inherited c.7102G>A (p.Gly2368Ser) variant identified in the ZNF469 gene substitutes a moderately conserved Glycine for Serine at amino acid 2368/3954 (exon 3/3). This variant is found with low frequency in gnomAD(v3.1) (112 heterozygotes, 0 homozygotes; allele frequency: 7.36e-4) suggesting it is not a common benign variant in the populations represented in that database. In silico algorithms predict this variant to be Tolerated (SIFT; score:0.387) and Benign (REVEL; score:0.026) to the function of the canonical transcript. This variant is absent from ClinVar and to our current knowledge has not been reported in affected individuals in the literature. The p.Gly2368 residue is not within a mapped domain of ZNF469 (UniProtKB:Q96JG9). Given the lack of compelling evidencefor its pathogenicity, the inherited c.7102G>A (p.Gly2368Ser) variant identified in the ZNF469gene is reported as a Variant of Uncertain Significance.

GeneDx
Classification: Likely benign. Last evaluated: 2020-06-12. Review status: criteria provided, single submitter. Criteria: GeneDx Variant Classification Process June 2021. Collection method: clinical testing. Allele origin: germline. Affected: yes.
Comment: Has not been previously published as pathogenic or benign to our knowledge